The following is an entry in ClinVar:

NM_001393504.1(MAST3):c.23G>A (p.Arg8Gln)

Genes: IL12RB1 (interleukin 12 receptor subunit beta 1; minus strand), MAST3 (microtubule associated serine/threonine kinase 3; plus strand), LOC130063975 (ATAC-STARR-seq lymphoblastoid silent region 10369; plus strand). Cytogenetic location: 19p13.11.
Variant type: single nucleotide variant.
Coding change: c.23G>A on transcript NM_001393504.1 (MANE Select); coding-DNA position 23, G replaced by A.
Protein change: p.Arg8Gln; replaces arginine 8 with glutamine.
Molecular consequence: missense variant. On other transcripts: intron variant (3).
Genome position (GRCh38, 1-based): chr19:18,097,815, G>A. VCF-style: chr19-18097815-G-A. GRCh37 (hg19) VCF-style: chr19-18208625-G-A.
Other names: c.23G>A, p.Arg8Gln (NM_001393501.1, NM_001393502.1, NM_001393508.1 and 8 more transcripts); c.11+940C>T (NM_001290024.2, NM_001440427.1, NM_001440426.1); short protein forms R8Q.
Identifiers: ClinVar variation 3047238 (VCV003047238.2), dbSNP rs2037098511, ClinGen allele CA404796235.

ClinVar aggregate classification (germline): Uncertain significance (0 of 4 stars; one submission).

Conditions:
MAST3-related disorder.

Allele frequency attached by ClinVar (database versions not stated): TOPMed 0.00002; gnomAD 0.00001.

Submission:

PreventionGenetics, part of Exact Sciences
Classification: Uncertain significance for MAST3-related condition. Last evaluated: 2023-11-08. Review status: no assertion criteria provided. Collection method: clinical testing. Allele origin: germline.
Comment: The MAST3 c.23G>A variant is predicted to result in the amino acid substitution p.Arg8Gln. To our knowledge, this variant has not been reported in the literature or in a large population database, indicating this variant is rare. At this time, the clinical significance of this variant is uncertain due to the absence of conclusive functional and genetic evidence.